The following is an entry in ClinVar:

ClinVar aggregate classification (germline): Likely benign (1 of 4 stars; one submission).

Conditions:
Breast-ovarian cancer, familial, susceptibility to, 2 (BROVCA2). Also called: BRCA2 Hereditary Breast and Ovarian Cancer. Identifiers: Orphanet 145, MedGen C2675520, MONDO:0012933, OMIM 612555. Disease mechanism: loss of function.

Submission:

Cancer Bioinformatics and Tumour Evolution Laboratory, Monash University
Classification: Likely benign for Breast-ovarian cancer, familial, susceptibility to, 2. Last evaluated: 2026-05-01. Review status: criteria provided, single submitter. Criteria: ClinGen BRCA1 and BRCA2 Guidelines, 2024. Collection method: curation. Allele origin: germline. Inheritance: Autosomal dominant inheritance.
Comment: Missense variant outside of a functional domain with no splice impact. BRCA1 and BRCA2 VCEP guidelines recommend application of BP1_Strong (PMID: 39142283)

NM_000059.4(BRCA2):c.4894A>G (p.Ser1632Gly)

Gene: BRCA2 (BRCA2 DNA repair associated; plus strand). Cytogenetic location: 13q13.1.
Variant type: single nucleotide variant.
Coding change: c.4894A>G on transcript NM_000059.4 (MANE Select); coding-DNA position 4894, A replaced by G.
Protein change: p.Ser1632Gly; replaces serine 1632 with glycine.
Molecular consequence: missense variant. On other transcripts: non-coding transcript variant (1), intron variant (2).
Genome position (GRCh38, 1-based): chr13:32,339,249, A>G. VCF-style: chr13-32339249-A-G. GRCh37 (hg19) VCF-style: chr13-32913386-A-G.
Other names: c.4894A>G, p.Ser1632Gly (NM_001406719.1, NM_001406720.1, NM_001432077.1); c.1910-5309A>G (NM_001406721.1); c.425-5309A>G (NM_001406722.1); short protein forms S1632G.
Identifiers: ClinVar variation 4856518 (VCV004856518.1).
Genomic context (GRCh38, chr13:32,339,249, plus strand): 5'-CCACCTAAGCTCTTAAGTGATAATTTATGTAGACAAACTGAAAATCTCAAAACATCAAAA[A>G]GTATCTTTTTGAAAGTTAAAGTACATGAAAATGTAGAAAAAGAAACAGCAAAAAGTCCTG-3'
Protein context (NP_000050.3, residues 1622-1642): RQTENLKTSK[Ser1632Gly]IFLKVKVHEN